The following is an entry in ClinVar:

ClinVar aggregate classification (germline): Uncertain significance. Review status: criteria provided, multiple submitters, no conflicts (2 of 4 stars). 2 submissions from 2 submitters: Uncertain significance (2). Last evaluated 2021-08-20.

Conditions:
Hypertrophic cardiomyopathy 9. Also called: Familial hypertrophic cardiomyopathy 9. Identifiers: MedGen C1861065, MONDO:0013412, OMIM 613765.
Tibial muscular dystrophy (TMD). Also called: Tibial muscular dystrophy, tardive; UDD MYOPATHY; Udd Distal Myopathy – Tibial Muscular Dystrophy. Identifiers: Orphanet 609, MedGen C1838244, MONDO:0010870, OMIM 600334.
Myopathy, myofibrillar, 9, with early respiratory failure (MFM9). Also called: MYOPATHY, PROXIMAL, WITH EARLY RESPIRATORY MUSCLE INVOLVEMENT; Myopathy, distal, with early respiratory failure, autosomal dominant; Hereditary myopathy with early respiratory failure; EDSTROM MYOPATHY. Identifiers: Orphanet 178464, Orphanet 34521, MedGen C1863599, MONDO:0011362, OMIM 603689.
Early-onset myopathy with fatal cardiomyopathy (CMYO5). Also called: CONGENITAL MYOPATHY 5 WITH CARDIOMYOPATHY; Salih Myopathy. Identifiers: Orphanet 289377, MedGen C2673677, MONDO:0012714, OMIM 611705. Disease mechanism: loss of function.
Dilated cardiomyopathy 1G (CMD1G). Identifiers: Orphanet 154, MedGen C1858763, MONDO:0011400, OMIM 604145.
Autosomal recessive limb-girdle muscular dystrophy type 2J (LGMDR10). Also called: Limb-girdle muscular dystrophy, type 2J; MUSCULAR DYSTROPHY, LIMB-GIRDLE, AUTOSOMAL RECESSIVE 10. Identifiers: Orphanet 140922, MedGen C1837342, MONDO:0012127, OMIM 608807.

Allele frequency attached by ClinVar (database versions not stated): TOPMed below 0.00001; gnomAD 0.00001; gnomAD exomes 0.00001 and 0.00002; ExAC 0.00002; ESP Exome Variant Server 0.00008.
gnomAD v4.1: 12 of 1,613,024 alleles (0.00074%); highest among the groups gnomAD compares: South Asian, 0.0044%; no homozygotes.

Submissions (2):

Fulgent Genetics
Classification: Uncertain significance for Tibial muscular dystrophy; Myopathy, myofibrillar, 9, with early respiratory failure; Dilated cardiomyopathy 1G; Autosomal recessive limb-girdle muscular dystrophy type 2J; Early-onset myopathy with fatal cardiomyopathy; Hypertrophic cardiomyopathy 9. Last evaluated: 2021-08-20. Review status: criteria provided, single submitter. Criteria: ACMG Guidelines, 2015. Collection method: clinical testing. Allele origin: unknown.

Laboratory for Molecular Medicine, Mass General Brigham Personalized Medicine
Classification: Uncertain significance. Last evaluated: 2011-12-21. Review status: criteria provided, single submitter. Criteria: LMM Criteria. Collection method: clinical testing. Allele origin: germline. Observed: 1 variant allele.
Comment: The Arg15149Cys variant (TTN) has not been previously reported in the literature nor previously identified by our laboratory. This variant has been identified i n 0/6640 European American chromosomes and 1/3108 African American chromosomes b y the NHBLI Exome sequencing project in a clinical cohort that included individu als with heart disease. Computational tools ( AlignGVGD, SIFT) predict that a change to cysteine (Cys) would impact the protei n, though the accuracy of these tools is unknown. Additional information is need ed to fully assess the clinical significance of the Arg15149Cys variant.

NM_001267550.2(TTN):c.53149C>T (p.Arg17717Cys)

Genes: TTN (titin; minus strand), TTN-AS1 (TTN antisense RNA 1; plus strand), LOC126806425 (BRD4-independent group 4 enhancer GRCh37_chr2:179471933-179473132; plus strand). Cytogenetic location: 2q31.2.
Variant type: single nucleotide variant.
Coding change: c.53149C>T on transcript NM_001267550.2 (MANE Select); coding-DNA position 53149, C replaced by T.
Protein change: p.Arg17717Cys; replaces arginine 17717 with cysteine.
Molecular consequence: missense variant.
Genome position (GRCh38, 1-based): chr2:178,607,539, G>A on the plus strand (C>T on the coding strand, the complement: TTN is on the minus strand). VCF-style: chr2-178607539-G-A. GRCh37 (hg19) VCF-style: chr2-179472266-G-A.
Other names: c.48226C>T, p.Arg16076Cys (NM_001256850.1); c.25954C>T, p.Arg8652Cys (NM_003319.4); c.26329C>T, p.Arg8777Cys (NM_133432.3); c.26530C>T, p.Arg8844Cys (NM_133437.4); c.45445C>T, p.Arg15149Cys (NM_133378.4); short protein forms R17717C, R15149C, R8777C, R8844C, R16076C, R8652C.
Identifiers: ClinVar variation 47073 (VCV000047073.6), dbSNP rs369001587, ClinGen allele CA139921.
Genomic context (GRCh38, chr2:178,607,539, plus strand): 5'-TTCGCAGTGCATCCTTGATAATTAGTTCAGATTTGGTTCCAACGTTGTCTATTACAACAC[G>A]GTCTTTATCCAGCTCCCCTTCTTCTTTGGTCCATACTTTTGTAGGTACAGGGCGACCAGT-3'
Protein context (NP_001254479.2, residues 17707-17727): TKEEGELDKD[Arg17717Cys]VVIDNVGTKS